The following is an entry in ClinVar:

NM_001267550.2(TTN):c.59273T>C (p.Leu19758Ser)

Genes: TTN (titin; minus strand), TTN-AS1 (TTN antisense RNA 1; plus strand). Cytogenetic location: 2q31.2.
Variant type: single nucleotide variant.
Coding change: c.59273T>C on transcript NM_001267550.2 (MANE Select); coding-DNA position 59273, T replaced by C.
Protein change: p.Leu19758Ser; replaces leucine 19758 with serine.
Molecular consequence: missense variant.
Genome position (GRCh38, 1-based): chr2:178,592,846, A>G on the plus strand (T>C on the coding strand, the complement: TTN is on the minus strand). VCF-style: chr2-178592846-A-G. GRCh37 (hg19) VCF-style: chr2-179457573-A-G.
Other names: c.54350T>C, p.Leu18117Ser (NM_001256850.1); c.32078T>C, p.Leu10693Ser (NM_003319.4); c.51569T>C, p.Leu17190Ser (NM_133378.4); c.32453T>C, p.Leu10818Ser (NM_133432.3); c.32654T>C, p.Leu10885Ser (NM_133437.4); short protein forms L10693S, L10818S, L10885S, L17190S, L18117S, L19758S.
Identifiers: ClinVar variation 5040469 (VCV005040469.1).

ClinVar aggregate classification (germline): Uncertain significance (1 of 4 stars; one submission).

gnomAD v4.1: 6 of 1,613,536 alleles (0.00037%); highest among the groups gnomAD compares: Non-Finnish European, 0.00051%; no homozygotes.

Submission:

CeGaT Center for Human Genetics Tuebingen
Classification: Uncertain significance. Last evaluated: 2026-08-01. Review status: criteria provided, single submitter. Criteria: CeGaT Center For Human Genetics Tuebingen Variant Classification Criteria Version 2. Collection method: clinical testing. Allele origin: germline. Affected: yes. Observed: 1 variant allele.
Comment: TTN: PM2, BP1, BP4